The following is an entry in ClinVar:

ClinVar aggregate classification (germline): Uncertain significance (1 of 4 stars; one submission).

Submission:

Labcorp Genetics (formerly Invitae), Labcorp
Classification: Uncertain significance. Last evaluated: 2023-07-18. Review status: criteria provided, single submitter. Criteria: Invitae Variant Classification Sherloc (09022015). Collection method: clinical testing. Allele origin: unknown.
Comment: In summary, the available evidence is currently insufficient to determine the role of this variant in disease. Therefore, it has been classified as a Variant of Uncertain Significance. Experimental studies and prediction algorithms are not available or were not evaluated, and the functional significance of this variant is currently unknown. This variant has not been reported in the literature in individuals affected with MSN-related conditions. This variant is a gross deletion of the genomic region encompassing exon(s) 1 of the MSN gene, which includes the initiator codon. This deletion extends beyond the assayed region for this gene and therefore may encompass additional genes. It is expected to result in an absent or disrupted protein product. However, the current clinical and genetic evidence is not sufficient to establish whether loss-of-function variants in MSN cause disease.

NC_000023.10:g.(?_64887709)_(64887740_?)del

Gene: MSN (moesin; plus strand). Cytogenetic location: Xq12.
Variant type: Deletion.
Identifiers: ClinVar variation 3246529 (VCV003246529.1).